The following is an entry in ClinVar:

NM_144687.4(NLRP12):c.1151C>T (p.Ala384Val)

Gene: NLRP12 (NLR family pyrin domain containing 12; minus strand). Cytogenetic location: 19q13.42.
Variant type: single nucleotide variant.
Coding change: c.1151C>T on transcript NM_144687.4 (MANE Select); coding-DNA position 1151, C replaced by T.
Protein change: p.Ala384Val; replaces alanine 384 with valine.
Molecular consequence: missense variant.
Genome position (GRCh38, 1-based): chr19:53,810,508, G>A on the plus strand (C>T on the coding strand, the complement: NLRP12 is on the minus strand). VCF-style: chr19-53810508-G-A. GRCh37 (hg19) VCF-style: chr19-54313762-G-A.
Other names: c.1151C>T, p.Ala384Val (NM_001277126.2, NM_001277129.1); short protein forms A384V.
Identifiers: ClinVar variation 1000030 (VCV001000030.11), dbSNP rs1006682366, ClinGen allele CA310070681.

ClinVar aggregate classification (germline): Uncertain significance. Review status: criteria provided, multiple submitters, no conflicts (2 of 4 stars). 4 submissions from 4 submitters: Uncertain significance (4). Last evaluated 2025-12-01.

Conditions:
NLRP12-related disorder. Also called: NLRP12-related conditions; NLRP12-related condition.
Autoinflammatory syndrome. Identifiers: Orphanet 93665, MedGen C3890737, MONDO:0019751.
Familial cold autoinflammatory syndrome 2 (FCAS2). Identifiers: Orphanet 247868, MedGen C2673198, MONDO:0012724, OMIM 611762.

gnomAD v4.1: 12 of 1,614,058 alleles (0.00074%); highest among the groups gnomAD compares: East Asian, 0.0045%; no homozygotes.

Submissions (4):

Labcorp Genetics (formerly Invitae), Labcorp
Classification: Uncertain significance for Familial cold autoinflammatory syndrome 2. Last evaluated: 2025-12-01. Review status: criteria provided, single submitter. Criteria: Invitae Variant Classification Sherloc (09022015). Collection method: clinical testing. Allele origin: germline.
Comment: This sequence change replaces alanine, which is neutral and non-polar, with valine, which is neutral and non-polar, at codon 384 of the NLRP12 protein (p.Ala384Val). This variant is not present in population databases (gnomAD no frequency). This variant has not been reported in the literature in individuals affected with NLRP12-related conditions. ClinVar contains an entry for this variant (Variation ID: 1000030). Invitae Evidence Modeling of protein sequence and biophysical properties (such as structural, functional, and spatial information, amino acid conservation, physicochemical variation, residue mobility, and thermodynamic stability) indicates that this missense variant is expected to disrupt NLRP12 protein function with a positive predictive value of 80%. In summary, the available evidence is currently insufficient to determine the role of this variant in disease. Therefore, it has been classified as a Variant of Uncertain Significance.

PreventionGenetics, part of Exact Sciences
Classification: Uncertain significance for NLRP12-related condition. Last evaluated: 2025-01-23. Review status: criteria provided, single submitter. Criteria: ACMG Guidelines, 2015. Collection method: clinical testing. Allele origin: germline.
Comment: The NLRP12 c.1151C>T variant is predicted to result in the amino acid substitution p.Ala384Val. To our knowledge, this variant has not been reported in the literature or in a large population database (gnomAD), indicating this variant is rare. At this time, the clinical significance of this variant is uncertain due to the absence of conclusive functional and genetic evidence.

Revvity Omics, Revvity
Classification: Uncertain significance for Familial cold autoinflammatory syndrome 2. Last evaluated: 2024-06-20. Review status: criteria provided, single submitter. Criteria: ACMG Guidelines, 2015. Collection method: clinical testing. Allele origin: germline.

Genome Diagnostics Laboratory, The Hospital for Sick Children
Classification: Uncertain significance for Autoinflammatory syndrome. Last evaluated: 2017-01-06. Review status: criteria provided, single submitter. Criteria: ACMG Guidelines, 2015. Collection method: clinical testing. Allele origin: germline. Affected: yes.